The following is an entry in ClinVar:

NM_152513.4(MEI1):c.3054C>A (p.Ser1018=)

Gene: MEI1 (meiotic double-stranded break formation protein 1; plus strand). Cytogenetic location: 22q13.2.
Variant type: single nucleotide variant.
Coding change: c.3054C>A on transcript NM_152513.4 (MANE Select); coding-DNA position 3054, C replaced by A.
Protein change: p.Ser1018=; no amino-acid change (serine 1018 retained).
Molecular consequence: synonymous variant.
Genome position (GRCh38, 1-based): chr22:41,781,812, C>A. VCF-style: chr22-41781812-C-A. GRCh37 (hg19) VCF-style: chr22-42177816-C-A.
Identifiers: ClinVar variation 3055848 (VCV003055848.2), dbSNP rs6002481, ClinGen allele CA10260719.
Genomic context (GRCh38, chr22:41,781,812, plus strand): 5'-GGCAAAGGCAGATTCTCCCAGGACTGCACTCCTCTGCTCTGCCTGGCTGCTCACTGCCTC[C>A]TTCTCTGCCCAGCAGCACAAGGGCAGTTTGCAGGTTAGTCTTTAACTCCTGTGGCTTTGA-3'
Protein context (NP_689726.3, residues 1008-1028): LLCSAWLLTA[Ser1018=]FSAQQHKGSL

ClinVar aggregate classification (germline): Benign (0 of 4 stars; one submission).

Conditions:
MEI1-related disorder. Also called: MEI1-related condition.

Allele frequency attached by ClinVar (database versions not stated): gnomAD exomes 0.03904; ExAC 0.07120; ESP Exome Variant Server 0.16355; gnomAD 0.16390; TOPMed 0.18365; 1000 Genomes Project 0.18670; 1000 Genomes Project 30x 0.19379.
gnomAD v4.1: 83,039 of 1,613,832 alleles (5.1%); highest among the groups gnomAD compares: African/African-American, 50%; 10,691 homozygotes.

Submission:

PreventionGenetics, part of Exact Sciences
Classification: Benign for MEI1-related condition. Last evaluated: 2019-11-06. Review status: no assertion criteria provided. Collection method: clinical testing. Allele origin: germline.
Comment: This variant is classified as benign based on ACMG/AMP sequence variant interpretation guidelines (Richards et al. 2015 PMID: 25741868, with internal and published modifications).